The following is an entry in ClinVar:

ClinVar aggregate classification (germline): Uncertain significance. Review status: criteria provided, multiple submitters, no conflicts (2 of 4 stars). 2 submissions from 2 submitters: Uncertain significance (2). Last evaluated 2025-11-03.

Conditions:
CEP164-related disorder. Also called: CEP164-related condition.
Nephronophthisis 15 (NPHP15). Identifiers: Orphanet 3156, MedGen C3541853, MONDO:0013917, OMIM 614845.

Allele frequency attached by ClinVar (database versions not stated): gnomAD 0.00003 and 0.00001; gnomAD exomes 0.00003 and 0.00004; ExAC 0.00002; TOPMed 0.00002.
gnomAD v4.1: 52 of 1,614,188 alleles (0.0032%); highest among the groups gnomAD compares: South Asian, 0.042%; 1 homozygote.

Submissions (2):

PreventionGenetics, part of Exact Sciences
Classification: Uncertain significance for CEP164-related condition. Last evaluated: 2025-11-03. Review status: criteria provided, single submitter. Criteria: ACMG Guidelines, 2015. Collection method: clinical testing. Allele origin: germline.
Comment: The CEP164 c.1864C>T variant is predicted to result in the amino acid substitution p.Arg622Trp. To our knowledge, this variant has not been reported in the literature. This variant is reported in 0.033% of alleles in individuals of South Asian descent in gnomAD. At this time, the clinical significance of this variant is uncertain due to the absence of conclusive functional and genetic evidence.

Labcorp Genetics (formerly Invitae), Labcorp
Classification: Uncertain significance for Nephronophthisis 15. Last evaluated: 2023-12-11. Review status: criteria provided, single submitter. Criteria: Invitae Variant Classification Sherloc (09022015). Collection method: clinical testing. Allele origin: germline.
Comment: This sequence change replaces arginine, which is basic and polar, with tryptophan, which is neutral and slightly polar, at codon 622 of the CEP164 protein (p.Arg622Trp). This variant is present in population databases (rs760666687, gnomAD 0.03%). This variant has not been reported in the literature in individuals affected with CEP164-related conditions. ClinVar contains an entry for this variant (Variation ID: 935778). Advanced modeling of protein sequence and biophysical properties (such as structural, functional, and spatial information, amino acid conservation, physicochemical variation, residue mobility, and thermodynamic stability) performed at Invitae indicates that this missense variant is not expected to disrupt CEP164 protein function with a negative predictive value of 80%. In summary, the available evidence is currently insufficient to determine the role of this variant in disease. Therefore, it has been classified as a Variant of Uncertain Significance.

NM_014956.5(CEP164):c.1864C>T (p.Arg622Trp)

Gene: CEP164 (centrosomal protein 164; plus strand). Cytogenetic location: 11q23.3.
Variant type: single nucleotide variant.
Coding change: c.1864C>T on transcript NM_014956.5 (MANE Select); coding-DNA position 1864, C replaced by T.
Protein change: p.Arg622Trp; replaces arginine 622 with tryptophan.
Molecular consequence: missense variant.
Genome position (GRCh38, 1-based): chr11:117,387,342, C>T. VCF-style: chr11-117387342-C-T. GRCh37 (hg19) VCF-style: chr11-117258058-C-T.
Other names: c.1873C>T, p.Arg625Trp (NM_001271933.2); short protein forms R622W, R625W.
Identifiers: ClinVar variation 935778 (VCV000935778.8), dbSNP rs760666687, ClinGen allele CA6294884.
Genomic context (GRCh38, chr11:117,387,342, plus strand): 5'-GTACTCGAGCAAGACCAGAGGCACCTGCTGGAATCCAAGCAAGAGAAGATGCAGCAACTG[C>T]GGGAGAAGCTGTGCCAAGAGGAGGAAGAGGAGATCCTCCGGCTTCACCAGCAGAAAGAGC-3'
Protein context (NP_055771.4, residues 612-632): ESKQEKMQQL[Arg622Trp]EKLCQEEEEE